The following is an entry in ClinVar:

NM_005751.5(AKAP9):c.1655C>A (p.Ala552Asp)

Gene: AKAP9 (A-kinase anchoring protein 9; plus strand). Cytogenetic location: 7q21.2.
Variant type: single nucleotide variant.
Coding change: c.1655C>A on transcript NM_005751.5 (MANE Select); coding-DNA position 1655, C replaced by A.
Protein change: p.Ala552Asp; replaces alanine 552 with aspartic acid.
Molecular consequence: missense variant.
Genome position (GRCh38, 1-based): chr7:92,001,572, C>A. VCF-style: chr7-92001572-C-A. GRCh37 (hg19) VCF-style: chr7-91630886-C-A.
Other names: c.1655C>A, p.Ala552Asp (NM_147185.3); short protein forms A552D.
Identifiers: ClinVar variation 4705341 (VCV004705341.1).
Genomic context (GRCh38, chr7:92,001,572, plus strand): 5'-ACCTTGTTGAAGAATTGAGCTTTTCAAGGGAACAGATTCAGAGAGCTAGACAGACAATAG[C>A]TGAACAAGAAAGTAAACTTAATGAAGCACATAAGTCCCTTAGTACAGTGGAAGATTTGAA-3'
Protein context (NP_005742.4, residues 542-562): EQIQRARQTI[Ala552Asp]EQESKLNEAH

ClinVar aggregate classification (germline): Uncertain significance (1 of 4 stars; one submission).

Conditions:
Long QT syndrome (LQTS). Identifiers: MedGen C0023976, MeSH D008133, MONDO:0002442. Disease mechanism: loss of function. Inheritance: Various modes of inheritance.

gnomAD v4.1: 2 of 1,613,696 alleles (0.00012%); highest among the groups gnomAD compares: Non-Finnish European, 0.00017%; no homozygotes.

Submission:

Labcorp Genetics (formerly Invitae), Labcorp
Classification: Uncertain significance for Long QT syndrome. Last evaluated: 2025-07-03. Review status: criteria provided, single submitter. Criteria: Invitae Variant Classification Sherloc (09022015). Collection method: clinical testing. Allele origin: germline.
Comment: This sequence change replaces alanine, which is neutral and non-polar, with aspartic acid, which is acidic and polar, at codon 552 of the AKAP9 protein (p.Ala552Asp). This variant is not present in population databases (gnomAD no frequency). This variant has not been reported in the literature in individuals affected with AKAP9-related conditions. An algorithm developed to predict the effect of missense changes on protein structure and function (PolyPhen-2) suggests that this variant is likely to be tolerated. In summary, the available evidence is currently insufficient to determine the role of this variant in disease. Therefore, it has been classified as a Variant of Uncertain Significance.